The following is an entry in ClinVar:

ClinVar aggregate classification (germline): Likely benign. Review status: criteria provided, multiple submitters, no conflicts (2 of 4 stars). 2 submissions from 2 submitters: Likely benign (2). Last evaluated 2025-10-06.

Conditions:
MYO18B-related disorder. Also called: MYO18B-related condition.

Allele frequency attached by ClinVar (database versions not stated): TOPMed 0.00002; gnomAD 0.00005; 1000 Genomes Project 30x 0.00016; 1000 Genomes Project 0.00020; ExAC 0.00034.
gnomAD v4.1: 273 of 1,613,512 alleles (0.017%); highest among the groups gnomAD compares: South Asian, 0.29%; 7 homozygotes.

Submissions (2):

PreventionGenetics, part of Exact Sciences
Classification: Likely benign for MYO18B-related condition. Last evaluated: 2025-10-06. Review status: criteria provided, single submitter. Criteria: ACMG Guidelines, 2015. Collection method: clinical testing. Allele origin: germline.
Comment: This variant is classified as likely benign based on ACMG/AMP sequence variant interpretation guidelines (Richards et al. 2015 PMID: 25741868, with internal and published modifications).

Labcorp Genetics (formerly Invitae), Labcorp
Classification: Likely benign. Last evaluated: 2025-03-26. Review status: criteria provided, single submitter. Criteria: Invitae Variant Classification Sherloc (09022015). Collection method: clinical testing. Allele origin: germline.

NM_032608.7(MYO18B):c.6673T>C (p.Ser2225Pro)

Gene: MYO18B (myosin XVIIIB; plus strand). Cytogenetic location: 22q12.1.
Variant type: single nucleotide variant.
Coding change: c.6673T>C on transcript NM_032608.7 (MANE Select); coding-DNA position 6673, T replaced by C.
Protein change: p.Ser2225Pro; replaces serine 2225 with proline.
Molecular consequence: missense variant.
Genome position (GRCh38, 1-based): chr22:26,026,647, T>C. VCF-style: chr22-26026647-T-C. GRCh37 (hg19) VCF-style: chr22-26422613-T-C.
Other names: c.6676T>C, p.Ser2226Pro (NM_001318245.2); c.6673T>C (NM_032608.6); short protein forms S2225P, S2226P.
Identifiers: ClinVar variation 1920872 (VCV001920872.6), dbSNP rs542713380, ClinGen allele CA10161588.